The following is an entry in ClinVar:

NM_014845.6(FIG4):c.1158T>C (p.His386=)

Gene: FIG4 (FIG4 phosphoinositide 5-phosphatase; plus strand). Cytogenetic location: 6q21.
Variant type: single nucleotide variant.
Coding change: c.1158T>C on transcript NM_014845.6 (MANE Select); coding-DNA position 1158, T replaced by C.
Protein change: p.His386=; no amino-acid change (histidine 386 retained).
Molecular consequence: synonymous variant.
Genome position (GRCh38, 1-based): chr6:109,760,270, T>C. VCF-style: chr6-109760270-T-C. GRCh37 (hg19) VCF-style: chr6-110081473-T-C.
Identifiers: ClinVar variation 507749 (VCV000507749.10), dbSNP rs370557879, ClinGen allele CA3956006.
Genomic context (GRCh38, chr6:109,760,270, plus strand): 5'-AGGAAATTAGAACACTGAAAATGTTTAATTTTTGATAAAGGAACGAGAGAAAAGAAAGCA[T>C]GAAAGAATTCTGAGTGAAGAACTTGTTGCTGCTGTGACCTATCTCAACCAATTTTTGCCT-3'
Protein context (NP_055660.1, residues 376-396): NLVKEREKRK[His386=]ERILSEELVA

ClinVar aggregate classification (germline): Likely benign. Review status: criteria provided, multiple submitters, no conflicts (2 of 4 stars). 3 submissions from 3 submitters: Likely benign (3). Last evaluated 2025-02-26.

Conditions:
Inborn genetic diseases. Identifiers: MedGen C0950123, MeSH D030342.
Charcot-Marie-Tooth disease type 4. Also called: Charcot-Marie-Tooth, Type 4; Charcot-Marie-Tooth disease, type IV. Identifiers: Orphanet 64749, MedGen C4082197, MONDO:0018995.

Allele frequency attached by ClinVar (database versions not stated): gnomAD exomes 0.00004 and 0.00006; ExAC 0.00006; ESP Exome Variant Server 0.00008.
gnomAD v4.1: 82 of 1,613,884 alleles (0.0051%); highest among the groups gnomAD compares: South Asian, 0.012%; no homozygotes.

Submissions (3):

Labcorp Genetics (formerly Invitae), Labcorp
Classification: Likely benign for Charcot-Marie-Tooth disease type 4. Last evaluated: 2025-02-26. Review status: criteria provided, single submitter. Criteria: Invitae Variant Classification Sherloc (09022015). Collection method: clinical testing. Allele origin: germline.

Ambry Genetics
Classification: Likely benign for Inborn genetic diseases. Last evaluated: 2019-07-11. Review status: criteria provided, single submitter. Criteria: Ambry Variant Classification Scheme 2023. Collection method: clinical testing. Allele origin: germline.

GeneDx
Classification: Likely benign. Last evaluated: 2017-02-28. Review status: criteria provided, single submitter. Criteria: GeneDx Variant Classification (06012015). Collection method: clinical testing. Allele origin: germline. Affected: yes.
Comment: This variant is considered likely benign or benign based on one or more of the following criteria: it is a conservative change, it occurs at a poorly conserved position in the protein, it is predicted to be benign by multiple in silico algorithms, and/or has population frequency not consistent with disease.